The following is an entry in ClinVar:

ClinVar aggregate classification (germline): Uncertain significance (1 of 4 stars; one submission).

Conditions:
Long QT syndrome (LQTS). Identifiers: MedGen C0023976, MeSH D008133, MONDO:0002442. Disease mechanism: loss of function. Inheritance: Various modes of inheritance.

Submission:

Labcorp Genetics (formerly Invitae), Labcorp
Classification: Uncertain significance for Long QT syndrome. Last evaluated: 2024-06-28. Review status: criteria provided, single submitter. Criteria: Invitae Variant Classification Sherloc (09022015). Collection method: clinical testing. Allele origin: germline.
Comment: This sequence change replaces lysine, which is basic and polar, with glutamic acid, which is acidic and polar, at codon 757 of the AKAP9 protein (p.Lys757Glu). This variant is not present in population databases (gnomAD no frequency). This variant has not been reported in the literature in individuals affected with AKAP9-related conditions. An algorithm developed to predict the effect of missense changes on protein structure and function (PolyPhen-2) suggests that this variant is likely to be tolerated. In summary, the available evidence is currently insufficient to determine the role of this variant in disease. Therefore, it has been classified as a Variant of Uncertain Significance.

NM_005751.5(AKAP9):c.2269A>G (p.Lys757Glu)

Gene: AKAP9 (A-kinase anchoring protein 9; plus strand). Cytogenetic location: 7q21.2.
Variant type: single nucleotide variant.
Coding change: c.2269A>G on transcript NM_005751.5 (MANE Select); coding-DNA position 2269, A replaced by G.
Protein change: p.Lys757Glu; replaces lysine 757 with glutamic acid.
Molecular consequence: missense variant.
Genome position (GRCh38, 1-based): chr7:92,002,186, A>G. VCF-style: chr7-92002186-A-G. GRCh37 (hg19) VCF-style: chr7-91631500-A-G.
Other names: c.2269A>G, p.Lys757Glu (NM_147185.3); short protein forms K757E.
Identifiers: ClinVar variation 3655499 (VCV003655499.2).